The following is an entry in ClinVar:

ClinVar aggregate classification (germline): Uncertain significance (1 of 4 stars; one submission).

Submission:

Labcorp Genetics (formerly Invitae), Labcorp
Classification: Uncertain significance. Last evaluated: 2024-03-19. Review status: criteria provided, single submitter. Criteria: Invitae Variant Classification Sherloc (09022015). Collection method: clinical testing. Allele origin: germline.
Comment: This sequence change replaces valine, which is neutral and non-polar, with methionine, which is neutral and non-polar, at codon 492 of the SEMA4A protein (p.Val492Met). This variant is not present in population databases (gnomAD no frequency). This variant has not been reported in the literature in individuals affected with SEMA4A-related conditions. ClinVar contains an entry for this variant (Variation ID: 1959305). Advanced modeling of protein sequence and biophysical properties (such as structural, functional, and spatial information, amino acid conservation, physicochemical variation, residue mobility, and thermodynamic stability) performed at Invitae indicates that this missense variant is not expected to disrupt SEMA4A protein function with a negative predictive value of 80%. In summary, the available evidence is currently insufficient to determine the role of this variant in disease. Therefore, it has been classified as a Variant of Uncertain Significance.

NM_022367.4(SEMA4A):c.1474G>A (p.Val492Met)

Gene: SEMA4A (semaphorin 4A; plus strand). Cytogenetic location: 1q22.
Variant type: single nucleotide variant.
Coding change: c.1474G>A on transcript NM_022367.4 (MANE Select); coding-DNA position 1474, G replaced by A.
Protein change: p.Val492Met; replaces valine 492 with methionine.
Molecular consequence: missense variant.
Genome position (GRCh38, 1-based): chr1:156,175,125, G>A. VCF-style: chr1-156175125-G-A. GRCh37 (hg19) VCF-style: chr1-156144916-G-A.
Other names: c.1474G>A, p.Val492Met (NM_001193300.2, NM_001193301.2, NM_001370567.1); c.1078G>A, p.Val360Met (NM_001193302.2); c.1177G>A, p.Val393Met (NM_001370568.1); c.967G>A, p.Val323Met (NM_001370569.1, NM_001370571.1); short protein forms V323M, V492M, V360M, V393M.
Identifiers: ClinVar variation 1959305 (VCV001959305.5), dbSNP rs2528304755, ClinGen allele CA342809257.